The following is an entry in ClinVar:

ClinVar aggregate classification (germline): Uncertain significance (1 of 4 stars; one submission).

gnomAD v4.1: 2 of 1,613,038 alleles (0.00012%); highest among the groups gnomAD compares: Non-Finnish European, 0.00017%; no homozygotes.

Submission:

Labcorp Genetics (formerly Invitae), Labcorp
Classification: Uncertain significance. Last evaluated: 2024-02-24. Review status: criteria provided, single submitter. Criteria: Invitae Variant Classification Sherloc (09022015). Collection method: clinical testing. Allele origin: germline.
Comment: This sequence change replaces proline, which is neutral and non-polar, with arginine, which is basic and polar, at codon 1351 of the KMT2E protein (p.Pro1351Arg). This variant is not present in population databases (gnomAD no frequency). This variant has not been reported in the literature in individuals affected with KMT2E-related conditions. Advanced modeling of protein sequence and biophysical properties (such as structural, functional, and spatial information, amino acid conservation, physicochemical variation, residue mobility, and thermodynamic stability) performed at Invitae indicates that this missense variant is not expected to disrupt KMT2E protein function with a negative predictive value of 80%. In summary, the available evidence is currently insufficient to determine the role of this variant in disease. Therefore, it has been classified as a Variant of Uncertain Significance.

NM_182931.3(KMT2E):c.4052C>G (p.Pro1351Arg)

Gene: KMT2E (lysine methyltransferase 2E (inactive); plus strand). Cytogenetic location: 7q22.3.
Variant type: single nucleotide variant.
Coding change: c.4052C>G on transcript NM_182931.3 (MANE Select); coding-DNA position 4052, C replaced by G.
Protein change: p.Pro1351Arg; replaces proline 1351 with arginine.
Molecular consequence: missense variant.
Genome position (GRCh38, 1-based): chr7:105,110,852, C>G. VCF-style: chr7-105110852-C-G. GRCh37 (hg19) VCF-style: chr7-104751299-C-G.
Other names: c.3926C>G, p.Pro1309Arg (NM_001410908.1); c.4052C>G, p.Pro1351Arg (NM_018682.4); short protein forms P1309R, P1351R.
Identifiers: ClinVar variation 3690670 (VCV003690670.2).